The following is an entry in ClinVar:

ClinVar aggregate classification (germline): Pathogenic (1 of 4 stars; one submission).

Submission:

Labcorp Genetics (formerly Invitae), Labcorp
Classification: Pathogenic. Last evaluated: 2020-07-01. Review status: criteria provided, single submitter. Criteria: Invitae Variant Classification Sherloc (09022015). Collection method: clinical testing. Allele origin: germline.
Comment: This sequence change creates a premature translational stop signal (p.Thr561Argfs*73) in the SLC4A11 gene. It is expected to result in an absent or disrupted protein product. This variant is not present in population databases (ExAC no frequency). This variant has not been reported in the literature in individuals with SLC4A11-related conditions. Loss-of-function variants in SLC4A11 are known to be pathogenic (PMID: 17220209, 17679935). For these reasons, this variant has been classified as Pathogenic.

Literature cited by the submitters: PubMed 17220209; PubMed 17679935.

NM_001174089.2(SLC4A11):c.1632del (p.Thr545fs)

Gene: SLC4A11 (solute carrier family 4 member 11; minus strand). Cytogenetic location: 20p13.
Variant type: Deletion.
Coding change: c.1632del on transcript NM_001174089.2 (MANE Select); coding-DNA position 1632, one base deleted (C; older notation c.1632delC).
Protein change: p.Thr545fs; shifts the reading frame from threonine 545.
Molecular consequence: frameshift variant. On other transcripts: non-coding transcript variant (1).
Genome position (GRCh38, 1-based): chr20:3,229,634, G deleted on the plus strand (C on the coding strand, the reverse complement: SLC4A11 is on the minus strand); the first of 4 consecutive G bases (chr20:3,229,634-3,229,637); deleting any one gives the same sequence. VCF-style (leftmost placement, unchanged base first): chr20-3229633-TG-T. GRCh37 (hg19) VCF-style: chr20-3210279-TG-T.
Other names: c.1761del, p.Thr588fs (NM_001174090.2); c.1518del, p.Thr507fs (NM_001363745.2); c.1680del, p.Thr561fs (NM_032034.4); short protein forms T507fs, T545fs, T561fs, T588fs.
Identifiers: ClinVar variation 1076868 (VCV001076868.7), dbSNP rs2122525167, ClinGen allele CA2499225713.
Genomic context (GRCh38, chr20:3,229,633, plus strand): 5'-TGATGAGGAGGCTGAGCACGGCGGTCGCCTGGCCTGAGTGTGTGGCCGAGGGCAGCTCCG[TG>T]GGGCTGGCGAGGAAGCTGGCGTTGAGGGCAGTGTGGAGGCTGGCGTTGAGGCTGGCGCCG-3'